The following is an entry in ClinVar:

NM_014989.7(RIMS1):c.4264A>G (p.Thr1422Ala)

Gene: RIMS1 (regulating synaptic membrane exocytosis 1; plus strand). Cytogenetic location: 6q13.
Variant type: single nucleotide variant.
Coding change: c.4264A>G on transcript NM_014989.7 (MANE Select); coding-DNA position 4264, A replaced by G.
Protein change: p.Thr1422Ala; replaces threonine 1422 with alanine.
Molecular consequence: missense variant. On other transcripts: intron variant (24).
Genome position (GRCh38, 1-based): chr6:72,333,733, A>G. VCF-style: chr6-72333733-A-G. GRCh37 (hg19) VCF-style: chr6-73043436-A-G.
Other names: c.2416A>G, p.Thr806Ala (NM_001350436.2); c.2167A>G, p.Thr723Ala (NM_001350437.2); c.2155A>G, p.Thr719Ala (NM_001350439.2); c.2152A>G, p.Thr718Ala (NM_001350441.2); c.2125A>G, p.Thr709Ala (NM_001350443.2); c.1999A>G, p.Thr667Ala (NM_001350444.2); c.2410A>G, p.Thr804Ala (NM_001350446.2); c.2071A>G, p.Thr691Ala (NM_001350447.2); and 53 more; short protein forms T611A, T639A, T652A, T689A, T702A, T709A, T719A, T744A.
Identifiers: ClinVar variation 1952912 (VCV001952912.5), dbSNP rs368978270, ClinGen allele CA140893884.

ClinVar aggregate classification (germline): Uncertain significance (1 of 4 stars; one submission).

Allele frequency attached by ClinVar (database versions not stated): TOPMed 0.00002; gnomAD 0.00001; ESP Exome Variant Server 0.00008.

Submission:

Labcorp Genetics (formerly Invitae), Labcorp
Classification: Uncertain significance. Last evaluated: 2025-02-20. Review status: criteria provided, single submitter. Criteria: Invitae Variant Classification Sherloc (09022015). Collection method: clinical testing. Allele origin: germline.
Comment: This sequence change replaces threonine, which is neutral and polar, with alanine, which is neutral and non-polar, at codon 1422 of the RIMS1 protein (p.Thr1422Ala). The frequency data for this variant in the population databases is considered unreliable, as metrics indicate poor data quality at this position in the gnomAD database. This variant has not been reported in the literature in individuals affected with RIMS1-related conditions. ClinVar contains an entry for this variant (Variation ID: 1952912). An algorithm developed to predict the effect of missense changes on protein structure and function (PolyPhen-2) suggests that this variant is likely to be tolerated. In summary, the available evidence is currently insufficient to determine the role of this variant in disease. Therefore, it has been classified as a Variant of Uncertain Significance.